The following is an entry in ClinVar:

NM_006118.4(HAX1):c.800T>A (p.Ile267Asn)

Gene: HAX1 (HCLS1 associated protein X-1; plus strand). Cytogenetic location: 1q21.3.
Variant type: single nucleotide variant.
Coding change: c.800T>A on transcript NM_006118.4 (MANE Select); coding-DNA position 800, T replaced by A.
Protein change: p.Ile267Asn; replaces isoleucine 267 with asparagine.
Molecular consequence: missense variant.
Genome position (GRCh38, 1-based): chr1:154,275,661, T>A. VCF-style: chr1-154275661-T-A. GRCh37 (hg19) VCF-style: chr1-154248137-T-A.
Other names: c.656T>A, p.Ile219Asn (NM_001018837.2); short protein forms I267N, I219N.
Identifiers: ClinVar variation 5022575 (VCV005022575.1).

ClinVar aggregate classification (germline): Uncertain significance (1 of 4 stars; one submission).

Conditions:
Inborn genetic diseases. Identifiers: MedGen C0950123, MeSH D030342.

Submission:

Ambry Genetics
Classification: Uncertain significance for Inborn genetic diseases. Last evaluated: 2026-07-07. Review status: criteria provided, single submitter. Criteria: Ambry Variant Classification Scheme 2023. Collection method: clinical testing. Allele origin: germline.
Comment: The p.I267N variant (also known as c.800T>A), located in coding exon 7 of the HAX1 gene, results from a T to A substitution at nucleotide position 800. The isoleucine at codon 267 is replaced by asparagine, an amino acid with dissimilar properties. This amino acid position is conserved. In addition, the in silico prediction for this alteration is inconclusive. Based on the available evidence, the clinical significance of this variant remains unclear.